The following is an entry in ClinVar:

NM_024675.4(PALB2):c.1067_1068insTA (p.Lys356fs)

Gene: PALB2 (partner and localizer of BRCA2; minus strand). Cytogenetic location: 16p12.2.
Variant type: Insertion.
Coding change: c.1067_1068insTA on transcript NM_024675.4 (MANE Select); coding-DNA positions 1067 to 1068, TA inserted.
Protein change: p.Lys356fs; shifts the reading frame from lysine 356.
Molecular consequence: frameshift variant.
Genome position: GRCh38 VCF-style: chr16-23635478-T-TTA. GRCh37 (hg19) VCF-style: chr16-23646799-T-TTA.
Other names: short protein forms K356fs.
Identifiers: ClinVar variation 421480 (VCV000421480.11), dbSNP rs1064795168, ClinGen allele CA16620153.
Genomic context (GRCh38, chr16:23,635,478, plus strand): 5'-ACTTAGAATCTCACTTTCCTGAAGATTTTCATTCCTGCCATCAAGAGTGTCACTGGGAGA[T>TTA]TTTAAAGATTTCTCTGTTTGATTTTGTTCTTTTAAGTTTTGGTTTTCATTTGCTGGTAAG-3'

ClinVar aggregate classification (germline): Pathogenic. Review status: criteria provided, multiple submitters, no conflicts (2 of 4 stars). 3 submissions from 3 submitters: Pathogenic (3). Last evaluated 2025-11-26.

Conditions:
Familial cancer of breast. Also called: Hereditary breast cancer; BREAST CANCER, FAMILIAL; hereditary breast carcinoma. Identifiers: Orphanet 227535, MedGen C0346153, MONDO:0016419, OMIM 114480. Disease mechanism: loss of function.
Hereditary cancer-predisposing syndrome. Also called: Hereditary neoplastic syndrome; Neoplastic Syndromes, Hereditary; Tumor predisposition; Hereditary Cancer Syndrome. Identifiers: Orphanet 140162, MedGen C0027672, MeSH D009386, MONDO:0015356.

Submissions (3):

Ambry Genetics
Classification: Pathogenic for Hereditary cancer-predisposing syndrome. Last evaluated: 2025-11-26. Review status: criteria provided, single submitter. Criteria: Ambry Variant Classification Scheme 2023. Collection method: clinical testing. Allele origin: germline.
Comment: The c.1067_1068insTA pathogenic mutation, located in coding exon 4 of the PALB2 gene, results from an insertion of two nucleotides at position 1067, causing a translational frameshift with a predicted alternate stop codon (p.K356Nfs*21). This variant is considered to be rare based on population cohorts in the Genome Aggregation Database (gnomAD). This alteration is expected to result in loss of function by premature protein truncation or nonsense-mediated mRNA decay. As such, this alteration is interpreted as a disease-causing mutation.

Labcorp Genetics (formerly Invitae), Labcorp
Classification: Pathogenic for Familial cancer of breast. Last evaluated: 2021-09-12. Review status: criteria provided, single submitter. Criteria: Invitae Variant Classification Sherloc (09022015). Collection method: clinical testing. Allele origin: germline.
Comment: This sequence change creates a premature translational stop signal (p.Lys356Asnfs*21) in the PALB2 gene. It is expected to result in an absent or disrupted protein product. Loss-of-function variants in PALB2 are known to be pathogenic (PMID: 17200668, 17200671, 17200672, 24136930, 25099575). This variant is not present in population databases (ExAC no frequency). This variant has not been reported in the literature in individuals affected with PALB2-related conditions. ClinVar contains an entry for this variant (Variation ID: 421480). For these reasons, this variant has been classified as Pathogenic.

GeneDx
Classification: Pathogenic. Last evaluated: 2019-11-06. Review status: criteria provided, single submitter. Criteria: GeneDx Variant Classification Process June 2021. Collection method: clinical testing. Allele origin: germline. Affected: yes.
Comment: Frameshift variant predicted to result in protein truncation or nonsense mediated decay in a gene for which loss-of-function is a known mechanism of disease; Not observed in large population cohorts (Lek et al., 2016)

Literature cited by the submitters: PubMed 17200668 (cited by Labcorp Genetics (formerly Invitae), Labcorp); PubMed 17200671 (cited by Labcorp Genetics (formerly Invitae), Labcorp); PubMed 17200672 (cited by Labcorp Genetics (formerly Invitae), Labcorp); PubMed 24136930 (cited by Labcorp Genetics (formerly Invitae), Labcorp); PubMed 25099575 (cited by Labcorp Genetics (formerly Invitae), Labcorp).